The following is an entry in ClinVar:

ClinVar aggregate classification (germline): Uncertain significance. Review status: criteria provided, multiple submitters, no conflicts (2 of 4 stars). 2 submissions from 2 submitters: Uncertain significance (2). Last evaluated 2025-10-20.

Conditions:
Von Hippel-Lindau syndrome (VHLS). Also called: VHL syndrome; Von Hippel-Lindau; von Hippel–Lindau syndrome. Identifiers: Orphanet 892, MedGen C0019562, MONDO:0008667, OMIM 193300. Disease mechanism: loss of function.

gnomAD v4.1: 1 of 1,535,612 alleles (0.000065%); no homozygotes.

Submissions (2):

Color Diagnostics, LLC DBA Color Health
Classification: Uncertain significance for Von Hippel-Lindau syndrome. Last evaluated: 2025-10-20. Review status: criteria provided, single submitter. Criteria: ACMG Guidelines, 2015. Collection method: clinical testing. Allele origin: germline.
Comment: This variant is located in the 5' untranslated region of the VHL gene. To our knowledge, functional studies have not been reported for this variant. This variant has not been reported in individuals affected with VHL-related disorders in the literature. This variant has been identified in 1/1383256 chromosomes in the general population by the Genome Aggregation Database (gnomAD). The available evidence is insufficient to determine the role of this variant in disease conclusively. Therefore, this variant is classified as a Variant of Uncertain Significance.

Quest Diagnostics Nichols Institute San Juan Capistrano
Classification: Uncertain significance. Last evaluated: 2025-10-09. Review status: criteria provided, single submitter. Criteria: Quest Diagnostics criteria. Collection method: clinical testing. Allele origin: unknown.

NM_000551.4(VHL):c.-7G>C

Gene: VHL (von Hippel-Lindau tumor suppressor; plus strand). Cytogenetic location: 3p25.3.
Variant type: single nucleotide variant.
Coding change: c.-7G>C on transcript NM_000551.4 (MANE Select); 7 bases upstream of the start codon, G replaced by C.
Molecular consequence: 5 prime UTR variant. On other transcripts: non-coding transcript variant (1).
Genome position (GRCh38, 1-based): chr3:10,141,841, G>C. VCF-style: chr3-10141841-G-C. GRCh37 (hg19) VCF-style: chr3-10183525-G-C.
Other names: c.-7G>C (NM_001354723.2, NM_198156.3).
Identifiers: ClinVar variation 4532989 (VCV004532989.2).
Genomic context (GRCh38, chr3:10,141,841, plus strand): 5'-GCTCCGCCCCGCGTCCGACCCGCGGATCCCGCGGCGTCCGGCCCGGGTGGTCTGGATCGC[G>C]GAGGGAATGCCCCGGAGGGCGGAGAACTGGGACGAGGCCGAGGTAGGCGCGGAGGAGGCA-3'